The following is an entry in ClinVar:

ClinVar aggregate classification (germline): Uncertain significance. Review status: criteria provided, multiple submitters, no conflicts (2 of 4 stars). 2 submissions from 2 submitters: Uncertain significance (2). Last evaluated 2022-03-27.

Conditions:
Retinitis pigmentosa (RP). Identifiers: Orphanet 791, MedGen C0035334, MeSH D012174, MONDO:0019200, OMIM 268000. Inheritance: Autosomal dominant, autosomal recessive and X linked inheritance.

Allele frequency attached by ClinVar (database versions not stated): gnomAD exomes below 0.00001.
gnomAD v4.1: 2 of 1,613,144 alleles (0.00012%); highest among the groups gnomAD compares: Non-Finnish European, 0.00017%; no homozygotes.

Submissions (2):

Labcorp Genetics (formerly Invitae), Labcorp
Classification: Uncertain significance. Last evaluated: 2022-03-27. Review status: criteria provided, single submitter. Criteria: Invitae Variant Classification Sherloc (09022015). Collection method: clinical testing. Allele origin: germline.
Comment: In summary, the available evidence is currently insufficient to determine the role of this variant in disease. Therefore, it has been classified as a Variant of Uncertain Significance. Algorithms developed to predict the effect of missense changes on protein structure and function are either unavailable or do not agree on the potential impact of this missense change (SIFT: "Deleterious"; PolyPhen-2: "Benign"; Align-GVGD: "Class C0"). ClinVar contains an entry for this variant (Variation ID: 1213841). This variant has not been reported in the literature in individuals affected with ADGRV1-related conditions. This variant is not present in population databases (gnomAD no frequency). This sequence change replaces leucine, which is neutral and non-polar, with phenylalanine, which is neutral and non-polar, at codon 3520 of the ADGRV1 protein (p.Leu3520Phe).

DBGen Ocular Genomics
Classification: Uncertain significance for Retinitis pigmentosa. Last evaluated: 2021-06-16. Review status: criteria provided, single submitter. Criteria: ACMG Guidelines, 2015. Collection method: clinical testing. Allele origin: germline. Affected: yes. Observed: 1 variant allele.

NM_032119.4(ADGRV1):c.10558C>T (p.Leu3520Phe)

Gene: ADGRV1 (adhesion G protein-coupled receptor V1; plus strand). Cytogenetic location: 5q14.3.
Variant type: single nucleotide variant.
Coding change: c.10558C>T on transcript NM_032119.4 (MANE Select); coding-DNA position 10558, C replaced by T.
Protein change: p.Leu3520Phe; replaces leucine 3520 with phenylalanine.
Molecular consequence: missense variant. On other transcripts: non-coding transcript variant (1).
Genome position (GRCh38, 1-based): chr5:90,745,054, C>T. VCF-style: chr5-90745054-C-T. GRCh37 (hg19) VCF-style: chr5-90040871-C-T.
Other names: short protein forms L3520F.
Identifiers: ClinVar variation 1213841 (VCV001213841.7), dbSNP rs1561644399, ClinGen allele CA360407429.